The following is an entry in ClinVar:

ClinVar aggregate classification (germline): Pathogenic. Review status: criteria provided, multiple submitters, no conflicts (2 of 4 stars). 2 submissions from 2 submitters: Pathogenic (2). Last evaluated 2026-09-29.

Conditions:
Hereditary cancer-predisposing syndrome. Also called: Hereditary neoplastic syndrome; Neoplastic Syndromes, Hereditary; Tumor predisposition; Hereditary Cancer Syndrome. Identifiers: Orphanet 140162, MedGen C0027672, MeSH D009386, MONDO:0015356.
Familial adenomatous polyposis 1 (FAP1). Also called: POLYPOSIS, ADENOMATOUS INTESTINAL; FAMILIAL ADENOMATOUS POLYPOSIS 1, ATTENUATED. Identifiers: MedGen C2713442, MONDO:0021056, OMIM 175100. Disease mechanism: loss of function.

Submissions (2):

Myriad Genetics, Inc.
Classification: Pathogenic for Familial adenomatous polyposis 1. Last evaluated: 2026-09-29. Review status: criteria provided, single submitter. Criteria: Myriad Autosomal Dominant, Autosomal Recessive and X-Linked Classification Criteria (2023). Collection method: clinical testing. Allele origin: unknown.
Comment: This variant is considered pathogenic. This variant creates a frameshift predicted to result in premature protein truncation.

Ambry Genetics
Classification: Pathogenic for Hereditary cancer-predisposing syndrome. Last evaluated: 2023-04-13. Review status: criteria provided, single submitter. Criteria: Ambry Variant Classification Scheme 2023. Collection method: clinical testing. Allele origin: germline.
Comment: The c.3326delG pathogenic mutation, located in coding exon 15 of the APC gene, results from a deletion of one nucleotide at nucleotide position 3326, causing a translational frameshift with a predicted alternate stop codon (p.G1109Vfs*17). This alteration is expected to result in loss of function by premature protein truncation. As such, this alteration is interpreted as a disease-causing mutation.

NM_000038.6(APC):c.3326del (p.Gly1109fs)

Gene: APC (APC regulator of Wnt signaling pathway; plus strand). Cytogenetic location: 5q22.2.
Variant type: Deletion.
Coding change: c.3326del on transcript NM_000038.6 (MANE Select); coding-DNA position 3326, one base deleted (G; older notation c.3326delG).
Protein change: p.Gly1109fs; shifts the reading frame from glycine 1109.
Molecular consequence: frameshift variant.
Genome position (GRCh38, 1-based): chr5:112,838,920, G deleted; the last of 2 consecutive G bases (chr5:112,838,919-112,838,920); deleting either gives the same sequence. VCF-style (leftmost placement, unchanged base first): chr5-112838918-TG-T. GRCh37 (hg19) VCF-style: chr5-112174615-TG-T.
Other names: c.3326del, p.Gly1109fs (NM_001127510.3, NM_001354895.2); c.3272del, p.Gly1091fs (NM_001127511.3); c.3380del, p.Gly1127fs (NM_001354896.2); c.3356del, p.Gly1119fs (NM_001354897.2); c.3251del, p.Gly1084fs (NM_001354898.2); c.3242del, p.Gly1081fs (NM_001354899.2); c.3203del, p.Gly1068fs (NM_001354900.2); c.3149del, p.Gly1050fs (NM_001354901.2); and 16 more; short protein forms G1008fs, G1050fs, G1084fs, G826fs, G949fs, G1068fs, G1109fs, G1119fs.
Identifiers: ClinVar variation 1730249 (VCV001730249.4), dbSNP rs2533489773, ClinGen allele CA2580072939.